The following is an entry in ClinVar:

ClinVar aggregate classification (germline): Uncertain significance (1 of 4 stars; one submission).

Conditions:
Bethlem myopathy 1A. Also called: MYOPATHY, BENIGN CONGENITAL, WITH CONTRACTURES; Bethlem Muscular Dystrophy; Bethlem myopathy 1. Identifiers: Orphanet 610, MedGen CN029274, MONDO:0024530, OMIM 158810.

gnomAD v4.1: 4 of 1,613,012 alleles (0.00025%); highest among the groups gnomAD compares: Non-Finnish European, 0.00034%; no homozygotes.

Submission:

Labcorp Genetics (formerly Invitae), Labcorp
Classification: Uncertain significance for Bethlem myopathy 1A. Last evaluated: 2021-07-06. Review status: criteria provided, single submitter. Criteria: Invitae Variant Classification Sherloc (09022015). Collection method: clinical testing. Allele origin: germline.
Comment: This sequence change replaces proline with threonine at codon 737 of the COL6A2 protein (p.Pro737Thr). The proline residue is highly conserved and there is a small physicochemical difference between proline and threonine. This variant is not present in population databases (ExAC no frequency). In summary, the available evidence is currently insufficient to determine the role of this variant in disease. Therefore, it has been classified as a Variant of Uncertain Significance. Advanced modeling of protein sequence and biophysical properties (such as structural, functional, and spatial information, amino acid conservation, physicochemical variation, residue mobility, and thermodynamic stability) performed at Invitae indicates that this missense variant is not expected to disrupt COL6A2 protein function. This variant has not been reported in the literature in individuals with COL6A2-related conditions.

NM_001849.4(COL6A2):c.2209C>A (p.Pro737Thr)

Gene: COL6A2 (collagen type VI alpha 2 chain; plus strand). Cytogenetic location: 21q22.3.
Variant type: single nucleotide variant.
Coding change: c.2209C>A on transcript NM_001849.4 (MANE Select); coding-DNA position 2209, C replaced by A.
Protein change: p.Pro737Thr; replaces proline 737 with threonine.
Molecular consequence: missense variant.
Genome position (GRCh38, 1-based): chr21:46,126,024, C>A. VCF-style: chr21-46126024-C-A. GRCh37 (hg19) VCF-style: chr21-47545938-C-A.
Other names: c.2209C>A, p.Pro737Thr (NM_058174.3, NM_058175.3); short protein forms P737T.
Identifiers: ClinVar variation 1441416 (VCV001441416.8), dbSNP rs2123664136, ClinGen allele CA410542114.
Genomic context (GRCh38, chr21:46,126,024, plus strand): 5'-GAGAGCCGGCGCCAGAAGACACGTGTGTTTGCGGTGGTCATCACGGACGGGCGCCACGAC[C>A]CTCGGGACGATGACCTCAACTTGCGGGCGCTGTGCGACCGCGACGTCACAGTGACGGCCA-3'
Protein context (NP_001840.3, residues 727-747): AVVITDGRHD[Pro737Thr]RDDDLNLRAL